The following is an entry in ClinVar:

NM_003664.5(AP3B1):c.1234T>C (p.Tyr412His)

Gene: AP3B1 (adaptor related protein complex 3 subunit beta 1; minus strand). Cytogenetic location: 5q14.1.
Variant type: single nucleotide variant.
Coding change: c.1234T>C on transcript NM_003664.5 (MANE Select); coding-DNA position 1234, T replaced by C.
Protein change: p.Tyr412His; replaces tyrosine 412 with histidine.
Molecular consequence: missense variant.
Genome position (GRCh38, 1-based): chr5:78,162,948, A>G on the plus strand (T>C on the coding strand, the complement: AP3B1 is on the minus strand). VCF-style: chr5-78162948-A-G. GRCh37 (hg19) VCF-style: chr5-77458772-A-G.
Other names: c.1087T>C, p.Tyr363His (NM_001271769.2); short protein forms Y363H, Y412H.
Identifiers: ClinVar variation 1162978 (VCV001162978.7), dbSNP rs781034104, ClinGen allele CA3317114.

ClinVar aggregate classification (germline): Uncertain significance. Review status: criteria provided, multiple submitters, no conflicts (2 of 4 stars). 2 submissions from 2 submitters: Uncertain significance (2). Last evaluated 2022-05-19.

Conditions:
Hermansky-Pudlak syndrome 2 (HPS2). Also called: Platelet defects and oculocutaneous albinism. Identifiers: Orphanet 183678, Orphanet 79430, MedGen C1842362, MONDO:0011997, OMIM 608233.

Allele frequency attached by ClinVar (database versions not stated): gnomAD exomes below 0.00001; ExAC 0.00001; gnomAD 0.00001; TOPMed 0.00001.
gnomAD v4.1: 3 of 1,613,314 alleles (0.00019%); highest among the groups gnomAD compares: East Asian, 0.0045%; no homozygotes.

Submissions (2):

Labcorp Genetics (formerly Invitae), Labcorp
Classification: Uncertain significance for Hermansky-Pudlak syndrome 2. Last evaluated: 2022-05-19. Review status: criteria provided, single submitter. Criteria: Invitae Variant Classification Sherloc (09022015). Collection method: clinical testing. Allele origin: germline.
Comment: ClinVar contains an entry for this variant (Variation ID: 1162978). This variant has not been reported in the literature in individuals affected with AP3B1-related conditions. This variant is present in population databases (rs781034104, gnomAD 0.02%). This sequence change replaces tyrosine, which is neutral and polar, with histidine, which is basic and polar, at codon 412 of the AP3B1 protein (p.Tyr412His). Algorithms developed to predict the effect of missense changes on protein structure and function are either unavailable or do not agree on the potential impact of this missense change (SIFT: "Deleterious"; PolyPhen-2: "Probably Damaging"; Align-GVGD: "Class C0"). In summary, the available evidence is currently insufficient to determine the role of this variant in disease. Therefore, it has been classified as a Variant of Uncertain Significance.

Mayo Clinic Laboratories, Mayo Clinic
Classification: Uncertain significance. Last evaluated: 2019-07-07. Review status: criteria provided, single submitter. Criteria: ACMG Guidelines, 2015. Collection method: clinical testing. Allele origin: germline. Observed: 1 variant allele.